The following is an entry in ClinVar:

NM_020987.5(ANK3):c.7243C>T (p.Pro2415Ser)

Gene: ANK3 (ankyrin 3; minus strand). Cytogenetic location: 10q21.2.
Variant type: single nucleotide variant.
Coding change: c.7243C>T on transcript NM_020987.5 (MANE Select); coding-DNA position 7243, C replaced by T.
Protein change: p.Pro2415Ser; replaces proline 2415 with serine.
Molecular consequence: missense variant. On other transcripts: intron variant (4).
Genome position (GRCh38, 1-based): chr10:60,073,638, G>A on the plus strand (C>T on the coding strand, the complement: ANK3 is on the minus strand). VCF-style: chr10-60073638-G-A. GRCh37 (hg19) VCF-style: chr10-61833396-G-A.
Other names: c.4388-5629C>T (NM_001204403.2); c.4409-5629C>T (NM_001204404.2); c.4406-5629C>T (NM_001320874.2); c.1808-5629C>T (NM_001149.4); short protein forms P2415S.
Identifiers: ClinVar variation 1331672 (VCV001331672.9), dbSNP rs1196476571, ClinGen allele CA377010904.
Genomic context (GRCh38, chr10:60,073,638, plus strand): 5'-AAGAGTCATCAGATATGAGTTGAGCAGAACTAGGGCGGCTATCTTCTTCTTGGGACACAG[G>A]AGTGTTTACTCTGGAAGACTCCAGATAAGAAGGCAATGACTCTTCAGCAGTAAGTTCTTC-3'
Protein context (NP_066267.2, residues 2405-2425): SYLESSRVNT[Pro2415Ser]VSQEEDSRPS

ClinVar aggregate classification (germline): Uncertain significance. Review status: criteria provided, multiple submitters, no conflicts (2 of 4 stars). 2 submissions from 2 submitters: Uncertain significance (2). Last evaluated 2021-09-09.

Allele frequency attached by ClinVar (database versions not stated): gnomAD exomes below 0.00001; TOPMed 0.00001.
gnomAD v4.1: 3 of 1,613,952 alleles (0.00019%); no homozygotes.

Submissions (2):

Labcorp Genetics (formerly Invitae), Labcorp
Classification: Uncertain significance. Last evaluated: 2021-09-09. Review status: criteria provided, single submitter. Criteria: Invitae Variant Classification Sherloc (09022015). Collection method: clinical testing. Allele origin: germline.
Comment: This sequence change replaces proline with serine at codon 2415 of the ANK3 protein (p.Pro2415Ser). The proline residue is weakly conserved and there is a moderate physicochemical difference between proline and serine. This variant is not present in population databases (ExAC no frequency). This variant has not been reported in the literature in individuals affected with ANK3-related conditions. Algorithms developed to predict the effect of missense changes on protein structure and function are either unavailable or do not agree on the potential impact of this missense change (SIFT: "Not Available"; PolyPhen-2: "Probably Damaging"; Align-GVGD: "Not Available"). In summary, the available evidence is currently insufficient to determine the role of this variant in disease. Therefore, it has been classified as a Variant of Uncertain Significance.

Greenwood Genetic Center Diagnostic Laboratories, Greenwood Genetic Center
Classification: Uncertain significance. Last evaluated: 2021-02-01. Review status: criteria provided, single submitter. Criteria: ACMG Guidelines, 2015. Collection method: clinical testing. Allele origin: germline. Affected: yes.
Comment: PP2, PP3, PM2